The following is an entry in ClinVar:

ClinVar aggregate classification (germline): Benign/Likely benign. Review status: criteria provided, multiple submitters, no conflicts (2 of 4 stars). 4 submissions from 4 submitters: Benign (2); Likely benign (1). 1 of the submissions does not count toward it. Last evaluated 2026-01-27.

Conditions:
DNAH1-related disorder. Also called: DNAH1-related condition.
Spermatogenic failure 18. Identifiers: MedGen C4539783, MONDO:0054615, OMIM 617576.
Ciliary dyskinesia, primary, 37 (CILD37). Also called: CILIARY DYSKINESIA, PRIMARY, 37, WITH OR WITHOUT SITUS INVERSUS. Identifiers: MedGen C4539798, MONDO:0033204, OMIM 617577.

Allele frequency attached by ClinVar (database versions not stated): gnomAD exomes 0.00097; ExAC 0.00140; gnomAD 0.00384 and 0.00415; 1000 Genomes Project 0.00419; TOPMed 0.00438; ESP Exome Variant Server 0.00487; 1000 Genomes Project 30x 0.00500.
gnomAD v4.1: 1,103 of 1,613,122 alleles (0.068%); highest among the groups gnomAD compares: African/African-American, 1.3%; 7 homozygotes.

Submissions (4):

Labcorp Genetics (formerly Invitae), Labcorp
Classification: Benign for Ciliary dyskinesia, primary, 37; Spermatogenic failure 18. Last evaluated: 2026-01-27. Review status: criteria provided, single submitter. Criteria: Invitae Variant Classification Sherloc (09022015). Collection method: clinical testing. Allele origin: germline.

Blueprint Genetics
Classification: Likely benign. Last evaluated: 2024-09-16. Review status: criteria provided, single submitter. Criteria: ACMG Guidelines, 2015. Collection method: clinical testing. Allele origin: germline.

Breakthrough Genomics
Classification: Benign. Review status: criteria provided, single submitter. Criteria: ACMG Guidelines, 2015. Collection method: not provided. Allele origin: germline. Inheritance: Autosomal recessive inheritance. Affected: yes.

PreventionGenetics, part of Exact Sciences
Classification: Likely benign for DNAH1-related condition. Last evaluated: 2023-03-16. Review status: no assertion criteria provided. Collection method: clinical testing. Allele origin: germline. Not counted in ClinVar's aggregate classification.
Comment: This variant is classified as likely benign based on ACMG/AMP sequence variant interpretation guidelines (Richards et al. 2015 PMID: 25741868, with internal and published modifications).

NM_015512.5(DNAH1):c.9935C>T (p.Thr3312Met)

Gene: DNAH1 (dynein axonemal heavy chain 1; plus strand). Cytogenetic location: 3p21.1.
Variant type: single nucleotide variant.
Coding change: c.9935C>T on transcript NM_015512.5 (MANE Select); coding-DNA position 9935, C replaced by T.
Protein change: p.Thr3312Met; replaces threonine 3312 with methionine.
Molecular consequence: missense variant.
Genome position (GRCh38, 1-based): chr3:52,391,486, C>T. VCF-style: chr3-52391486-C-T. GRCh37 (hg19) VCF-style: chr3-52425502-C-T.
Other names: short protein forms T3312M.
Identifiers: ClinVar variation 544657 (VCV000544657.15), dbSNP rs114919804, ClinGen allele CA2435664.